The following is an entry in ClinVar:

ClinVar aggregate classification (germline): Uncertain significance. Review status: criteria provided, multiple submitters, no conflicts (2 of 4 stars). 6 submissions from 6 submitters: Uncertain significance (6). Last evaluated 2026-10-07.

Conditions:
ABCA4-related disorder. Also called: ABCA4-related condition; ABCA4-related disorders. Identifiers: MedGen CN239167.
Age related macular degeneration 2. Also called: MACULOPATHY, AGE-RELATED; MACULAR DEGENERATION, SENILE; MACULOPATHY, AGE-RELATED, 2. Identifiers: MedGen C3495438, MONDO:0007932, OMIM 153800.
Severe early-childhood-onset retinal dystrophy (STGD1). Also called: Stargardt macular dystrophy; Juvenile onset macular degeneration; Stargardt disease 1; STGD; MACULAR DYSTROPHY WITH FLECKS, TYPE 1. Identifiers: Orphanet 364055, Orphanet 827, MedGen C1855465, MeSH D000080362, MONDO:0009549, OMIM 248200.
Retinitis pigmentosa 19 (RP19). Also called: ABCA4-Related Retinitis Pigmentosa. Identifiers: Orphanet 791, MedGen C1866422, MONDO:0011137, OMIM 601718.
Cone-rod dystrophy 3 (CORD3). Identifiers: Orphanet 1872, MedGen C1858806, MONDO:0011395, OMIM 604116.

Allele frequency attached by ClinVar (database versions not stated): gnomAD exomes 0.00003; ExAC 0.00006; 1000 Genomes Project 30x 0.00047; 1000 Genomes Project 0.00040; TOPMed 0.00021; gnomAD 0.00028; ESP Exome Variant Server 0.00023.
gnomAD v4.1: 80 of 1,614,172 alleles (0.005%); highest among the groups gnomAD compares: African/African-American, 0.1%; no homozygotes.

Submissions (6):

GeneDx
Classification: Uncertain significance. Last evaluated: 2026-10-07. Review status: criteria provided, single submitter. Criteria: GeneDx Variant Classification Process June 2021. Collection method: clinical testing. Allele origin: germline.
Comment: Observed in a patient with retinal dystrophy in published literature (PMID: 17296903); In silico analysis supports that this missense variant has a deleterious effect on protein structure/function; This variant is associated with the following publications: (PMID: 35120629, 39943985, 17296903)

PreventionGenetics, part of Exact Sciences
Classification: Uncertain significance for ABCA4-related condition. Last evaluated: 2025-12-18. Review status: criteria provided, single submitter. Criteria: ACMG Guidelines, 2015. Collection method: clinical testing. Allele origin: germline.
Comment: The ABCA4 c.3076T>C variant is predicted to result in the amino acid substitution p.Phe1026Leu. This variant was also reported in individuals with hereditary retinal disease; however, limited clinical or genetic information was provided (see, for example, Downs et al. 2007. PubMed ID: 17296903; supplementary data, Cornelis et al. 2022. PubMed ID: 35120629). This variant is reported in 0.076% of alleles in individuals of African descent in gnomAD. At this time, the clinical significance of this variant is uncertain due to the absence of conclusive functional and genetic evidence.

Revvity Omics, Revvity
Classification: Uncertain significance. Last evaluated: 2025-02-24. Review status: criteria provided, single submitter. Criteria: ACMG Guidelines, 2015. Collection method: clinical testing. Allele origin: germline.

Labcorp Genetics (formerly Invitae), Labcorp
Classification: Uncertain significance. Last evaluated: 2024-07-13. Review status: criteria provided, single submitter. Criteria: Invitae Variant Classification Sherloc (09022015). Collection method: clinical testing. Allele origin: germline.
Comment: This sequence change replaces phenylalanine, which is neutral and non-polar, with leucine, which is neutral and non-polar, at codon 1026 of the ABCA4 protein (p.Phe1026Leu). This variant is present in population databases (rs369703217, gnomAD 0.08%). This missense change has been observed in individual(s) with clinical features or family history of ABCA4-related conditions (PMID: 17296903, 35120629; Invitae). ClinVar contains an entry for this variant (Variation ID: 1003784). An algorithm developed to predict the effect of missense changes on protein structure and function outputs the following: PolyPhen-2: "Benign". The leucine amino acid residue is found in multiple mammalian species, which suggests that this missense change does not adversely affect protein function. In summary, the available evidence is currently insufficient to determine the role of this variant in disease. Therefore, it has been classified as a Variant of Uncertain Significance.

Blueprint Genetics
Classification: Uncertain significance. Last evaluated: 2024-05-09. Review status: criteria provided, single submitter. Criteria: ACMG Guidelines, 2015. Collection method: clinical testing. Allele origin: germline.

Fulgent Genetics
Classification: Uncertain significance for Age related macular degeneration 2; Severe early-childhood-onset retinal dystrophy; Retinitis pigmentosa 19; Cone-rod dystrophy 3. Last evaluated: 2021-08-31. Review status: criteria provided, single submitter. Criteria: ACMG Guidelines, 2015. Collection method: clinical testing. Allele origin: unknown.

Literature cited by the submitters: PubMed 17296903 (cited by Labcorp Genetics (formerly Invitae), Labcorp); PubMed 35120629 (cited by Labcorp Genetics (formerly Invitae), Labcorp).

NM_000350.3(ABCA4):c.3076T>C (p.Phe1026Leu)

Gene: ABCA4 (ATP binding cassette subfamily A member 4; minus strand). Cytogenetic location: 1p22.1.
Variant type: single nucleotide variant.
Coding change: c.3076T>C on transcript NM_000350.3 (MANE Select); coding-DNA position 3076, T replaced by C.
Protein change: p.Phe1026Leu; replaces phenylalanine 1026 with leucine.
Molecular consequence: missense variant.
Genome position (GRCh38, 1-based): chr1:94,043,450, A>G on the plus strand (T>C on the coding strand, the complement: ABCA4 is on the minus strand). VCF-style: chr1-94043450-A-G. GRCh37 (hg19) VCF-style: chr1-94509006-A-G.
Other names: c.2854T>C, p.Phe952Leu (NM_001425324.1); short protein forms F1026L, F952L.
Identifiers: ClinVar variation 1003784 (VCV001003784.12), dbSNP rs369703217, ClinGen allele CA958048.